The following is an entry in ClinVar:

ClinVar aggregate classification (germline): Uncertain significance (1 of 4 stars; one submission).

Conditions:
Insulin-dependent diabetes mellitus secretory diarrhea syndrome (IPEX). Also called: IMMUNODEFICIENCY, POLYENDOCRINOPATHY, AND ENTEROPATHY, X-LINKED; X-Linked Autoimmunity-Allergic Dysregulation Syndrome; Immunodeficiency, Polyendocrinopathy, and Enteropathy X-Linked Syndrome; X-Linked Syndrome of Polyendocrinopathy, Immune Dysfunction, and Diarrhea; IPEX and IPEX-Like; DIABETES MELLITUS, CONGENITAL INSULIN-DEPENDENT, WITH FATAL SECRETORY DIARRHEA. Identifiers: Orphanet 37042, MedGen C0342288, MONDO:0010580, OMIM 304790. Disease mechanism: loss of function.

Submission:

Genomic Medicine Center of Excellence, King Faisal Specialist Hospital and Research Centre
Classification: Uncertain significance for Insulin-dependent diabetes mellitus secretory diarrhea syndrome. Last evaluated: 2024-10-13. Review status: criteria provided, single submitter. Criteria: ACMG Guidelines, 2015. Collection method: clinical testing. Allele origin: germline.
Comment: This variant (GRCh38; NM_014009.4:c.929G>A:p.Arg310Lys) results in a missense mutation with the conversion of Arginine (Basic amino acid) to Lysine (Basic amino acid) in the FOXP3 protein. Not observed at significant frequency in large population cohorts (gnomAD). This variant has a strong Conservation score. Multiple lines of computational evidence support a deleterious effect on the gene or gene product for this variant. A literature search was performed for the gene and associated variants. Based on this search no publications were found. Based on conflicting evidence or insufficient data to determine whether the variant is benign or pathogenic, the clinical significance of this alteration remains unclear. In summary, this variant meets our criteria for classification as of Unknown Clinical Significance based on the evidence outlined.

NM_014009.4(FOXP3):c.929G>A (p.Arg310Lys)

Gene: FOXP3 (forkhead box P3; minus strand). Cytogenetic location: Xp11.23.
Variant type: single nucleotide variant.
Coding change: c.929G>A on transcript NM_014009.4 (MANE Select); coding-DNA position 929, G replaced by A.
Protein change: p.Arg310Lys; replaces arginine 310 with lysine.
Molecular consequence: missense variant.
Genome position (GRCh38, 1-based): chrX:49,253,955, C>T on the plus strand (G>A on the coding strand, the complement: FOXP3 is on the minus strand). VCF-style: chrX-49253955-C-T. GRCh37 (hg19) VCF-style: chrX-49110416-C-T.
Other names: c.824G>A, p.Arg275Lys (NM_001114377.2); short protein forms R275K, R310K.
Identifiers: ClinVar variation 3363135 (VCV003363135.1).